The following is an entry in ClinVar:

ClinVar aggregate classification (germline): Likely benign (1 of 4 stars; one submission).

Submission:

CeGaT Center for Human Genetics Tuebingen
Classification: Likely benign. Last evaluated: 2026-09-01. Review status: criteria provided, single submitter. Criteria: CeGaT Center For Human Genetics Tuebingen Variant Classification Criteria Version 2. Collection method: clinical testing. Allele origin: germline. Affected: yes. Observed: 1 variant allele.
Comment: PDZD8: BP4, BP7

NM_173791.5(PDZD8):c.1737A>G (p.Ser579=)

Gene: PDZD8 (PDZ domain containing 8; minus strand). Cytogenetic location: 10q25.3.
Variant type: single nucleotide variant.
Coding change: c.1737A>G on transcript NM_173791.5 (MANE Select); coding-DNA position 1737, A replaced by G.
Protein change: p.Ser579=; no amino-acid change (serine 579 retained).
Molecular consequence: synonymous variant.
Genome position (GRCh38, 1-based): chr10:117,284,996, T>C on the plus strand (A>G on the coding strand, the complement: PDZD8 is on the minus strand). VCF-style: chr10-117284996-T-C. GRCh37 (hg19) VCF-style: chr10-119044507-T-C.
Identifiers: ClinVar variation 5041693 (VCV005041693.1).